The following is an entry in ClinVar:

NM_001006658.3(CR2):c.794G>C (p.Trp265Ser)

Gene: CR2 (complement C3d receptor 2; plus strand). Cytogenetic location: 1q32.2.
Variant type: single nucleotide variant.
Coding change: c.794G>C on transcript NM_001006658.3 (MANE Select); coding-DNA position 794, G replaced by C.
Protein change: p.Trp265Ser; replaces tryptophan 265 with serine.
Molecular consequence: missense variant.
Genome position (GRCh38, 1-based): chr1:207,469,209, G>C. VCF-style: chr1-207469209-G-C. GRCh37 (hg19) VCF-style: chr1-207642554-G-C.
Other names: c.794G>C, p.Trp265Ser (NM_001877.5); short protein forms W265S.
Identifiers: ClinVar variation 855068 (VCV000855068.1), dbSNP rs1658194516, ClinGen allele CA344527350.

ClinVar aggregate classification (germline): Uncertain significance (1 of 4 stars; one submission).

Conditions:
Immunodeficiency, common variable, 7. Identifiers: Orphanet 1572, Orphanet 696894, MedGen C3542922, MONDO:0013862, OMIM 614699.

Submission:

Labcorp Genetics (formerly Invitae), Labcorp
Classification: Uncertain significance for Common variable immunodeficiency 7. Last evaluated: 2019-03-22. Review status: criteria provided, single submitter. Criteria: Invitae Variant Classification Sherloc (09022015). Collection method: clinical testing. Allele origin: germline.
Comment: This sequence change replaces tryptophan with serine at codon 265 of the CR2 protein (p.Trp265Ser). The tryptophan residue is highly conserved and there is a large physicochemical difference between tryptophan and serine. This variant is not present in population databases (ExAC no frequency). This variant has not been reported in the literature in individuals with CR2-related conditions. Algorithms developed to predict the effect of missense changes on protein structure and function are either unavailable or do not agree on the potential impact of this missense change (SIFT: "Deleterious"; PolyPhen-2: "Probably Damaging"; Align-GVGD: "Class C0"). In summary, the available evidence is currently insufficient to determine the role of this variant in disease. Therefore, it has been classified as a Variant of Uncertain Significance.